The following is an entry in ClinVar:

ClinVar aggregate classification (germline): Pathogenic (1 of 4 stars; one submission).

Conditions:
Hereditary breast ovarian cancer syndrome. Also called: Hereditary breast and ovarian cancer syndrome (HBOC); Hereditary breast and ovarian cancer syndrome; Breast and ovarian cancer; Hereditary breast and/or ovarian cancer syndrome; Hereditary breast and ovarian cancer; BRCA1- and BRCA2-Associated Hereditary Breast and Ovarian Cancer. Identifiers: Orphanet 145, MedGen C0677776, MeSH D061325, MONDO:0003582. Disease mechanism: loss of function.

Submission:

Labcorp Genetics (formerly Invitae), Labcorp
Classification: Pathogenic for Hereditary breast ovarian cancer syndrome. Last evaluated: 2017-06-20. Review status: criteria provided, single submitter. Criteria: Invitae Variant Classification Sherloc (09022015). Collection method: clinical testing. Allele origin: germline.
Comment: For these reasons, this variant has been classified as Pathogenic. While this particular variant has not been reported in the literature in individuals with a BRCA2-related disease, loss-of-function variants including gross deletions in BRCA2 are known to be pathogenic (PMID: 20104584). This variant is a gross deletion of the genomic region encompassing part of exon 11 of the BRCA2 gene, including the exon 11-intron 11 boundary (c.5537_6841+1679del). This likely creates a premature translational stop signal and is expected to result in an absent or disrupted protein product.

Literature cited by the submitters: PubMed 20104584.

NC_000013.11:g.(?_32339892)_(32342875_?)del

Gene: BRCA2 (BRCA2 DNA repair associated; plus strand). Cytogenetic location: 13q13.1.
Variant type: Deletion.
Identifiers: ClinVar variation 462164 (VCV000462164.5).